The following is an entry in ClinVar:

ClinVar aggregate classification (germline): Likely pathogenic. Review status: reviewed by expert panel (3 of 4 stars). 6 submissions from 6 submitters: Likely pathogenic (1). 5 of the submissions do not count toward it. Last evaluated 2023-06-13.

Conditions:
ACADVL-related disorder. Also called: ACADVL-related condition.
Very long chain acyl-CoA dehydrogenase deficiency (ACADVLD). Also called: Very Long-Chain Acyl-Coenzyme A Dehydrogenase Deficiency; VLCAD Deficiency. Identifiers: Orphanet 26793, MedGen C3887523, MONDO:0008723, OMIM 201475.

Allele frequency attached by ClinVar (database versions not stated): TOPMed below 0.00001; gnomAD 0.00001; gnomAD exomes 0.00001; ExAC 0.00002.
gnomAD v4.1: 8 of 1,613,902 alleles (0.0005%); highest among the groups gnomAD compares: African/African-American, 0.004%; no homozygotes.

Submissions (6):

ClinGen ACADVL Variant Curation Expert Panel, ClinGen
Classification: Likely pathogenic for Very long chain acyl-CoA dehydrogenase deficiency. Last evaluated: 2023-06-13. Review status: reviewed by expert panel. Criteria: clingen acadvl acmg specifications v1. Collection method: curation. Allele origin: germline. Inheritance: Autosomal recessive inheritance.
Comment: The c.896A>T (p.Lys299Met) variant in ACADVL has been reported in the literature in patients with VLCAD deficiency and elevated acylcarnitine (PP4_moderate; PMID: 16982043, 35281659). The variant has also been detected in compound heterozygote with pathogenic variant p.Val283Ala (PM3; PMID: 35281659). Three missense variants (p.Lys299Asn, p.Lys299Arg, p.Lys299Glu; PMIDs: 9973285, 31737040, 33150772) in the same codon have also been reported for VLCAD deficiency. This variant is absent from gnomAD population database v2.1.1(PM2_Supporting) and the computational predictor REVEL gives a score of 0.963, which is above the threshold of 0.75, evidence that correlates with impact to ACADVL function (PP3). The ACADVL Variant Curation Expert Panel VCEP classified the variant as likely pathogenic based on (PP4_moderate, PM3, PM2_Supporting, PP3).

Natera, Inc.
Classification: Likely pathogenic for Very long chain acyl-CoA dehydrogenase deficiency. Last evaluated: 2025-10-06. Review status: criteria provided, single submitter. Criteria: Natera Variant Classification Schema (03/2026). Collection method: clinical testing. Allele origin: germline. Not counted in ClinVar's aggregate classification.
Comment: The c.896A>T variant in ACADVL is a missense variant predicted to cause substitution of lysine to methionine at amino acid 299. This variant is rare in the general population with a frequency below the threshold expected for the associated phenotype(s). This variant has been observed in one or more individuals affected with the associated recessive disease, as either homozygous or compound heterozygous with a second variant (PMID: 30194637, 31794763, 25652019, 35281659). Computational prediction algorithms indicate this variant is likely to affect gene or protein function. Given the available evidence, this variant is classified as Likely Pathogenic.

Labcorp Genetics (formerly Invitae), Labcorp
Classification: Pathogenic for Very long chain acyl-CoA dehydrogenase deficiency. Last evaluated: 2025-05-18. Review status: criteria provided, single submitter. Criteria: Invitae Variant Classification Sherloc (09022015). Collection method: clinical testing. Allele origin: germline. Not counted in ClinVar's aggregate classification.
Comment: This sequence change replaces lysine, which is basic and polar, with methionine, which is neutral and non-polar, at codon 299 of the ACADVL protein (p.Lys299Met). This variant is present in population databases (rs771247610, gnomAD 0.003%). This missense change has been observed in individual(s) with very long chain acyl-CoA dehydrogenase deficiency (PMID: 16982043, 25652019, 30194637, 31794763). This variant is also known as p.K259M. ClinVar contains an entry for this variant (Variation ID: 932829). Invitae Evidence Modeling of protein sequence and biophysical properties (such as structural, functional, and spatial information, amino acid conservation, physicochemical variation, residue mobility, and thermodynamic stability) indicates that this missense variant is expected to disrupt ACADVL protein function with a positive predictive value of 80%. For these reasons, this variant has been classified as Pathogenic.

Blueprint Genetics
Classification: Pathogenic for ACADVL-related disorders. Last evaluated: 2024-08-15. Review status: criteria provided, single submitter. Criteria: ACMG Guidelines, 2015. Collection method: clinical testing. Allele origin: germline. Affected: yes. Observed: 2 variant alleles. Not counted in ClinVar's aggregate classification.

Baylor Genetics
Classification: Pathogenic for Very long chain acyl-CoA dehydrogenase deficiency. Last evaluated: 2022-01-04. Review status: criteria provided, single submitter. Criteria: ACMG Guidelines, 2015. Collection method: clinical testing. Allele origin: unknown. Not counted in ClinVar's aggregate classification.

Wong Mito Lab, Molecular and Human Genetics, Baylor College of Medicine
Classification: Pathogenic for Very long chain acyl-CoA dehydrogenase deficiency. Last evaluated: 2019-11-01. Review status: criteria provided, single submitter. Criteria: ACMG Guidelines, 2015. Collection method: clinical testing. Allele origin: germline. Not counted in ClinVar's aggregate classification.
Comment: The NM_000018.3:c.896A>T (NP_000009.1:p.Lys299Met) [GRCH38: NC_000017.11:g.7222684A>T] variant in ACADVL gene is interpretated to be Pathogenic based on ACMG guidelines (PMID: 25741868). This variant has been reported in PMID: 16982043 . This variant meets the following evidence codes reported in the ACMG guidelines: PS1, PS3

Literature cited by the submitters: PubMed 30194637 (cited by Natera, Inc. and Labcorp Genetics (formerly Invitae), Labcorp); PubMed 31794763 (cited by Natera, Inc. and Labcorp Genetics (formerly Invitae), Labcorp); PubMed 25652019 (cited by Natera, Inc. and Labcorp Genetics (formerly Invitae), Labcorp); PubMed 35281659 (cited by Natera, Inc.); PubMed 16982043 (cited by Labcorp Genetics (formerly Invitae), Labcorp and Wong Mito Lab, Molecular and Human Genetics, Baylor College of Medicine).

NM_000018.4(ACADVL):c.896A>T (p.Lys299Met)

Gene: ACADVL (acyl-CoA dehydrogenase very long chain; plus strand). Cytogenetic location: 17p13.1.
Variant type: single nucleotide variant.
Coding change: c.896A>T on transcript NM_000018.4 (MANE Select); coding-DNA position 896, A replaced by T.
Protein change: p.Lys299Met; replaces lysine 299 with methionine.
Molecular consequence: missense variant.
Genome position (GRCh38, 1-based): chr17:7,222,684, A>T. VCF-style: chr17-7222684-A-T. GRCh37 (hg19) VCF-style: chr17-7126003-A-T.
Other names: NM_000018.4(ACADVL):c.896A>T; p.Lys299Met; c.830A>T, p.Lys277Met (NM_001033859.3); c.965A>T, p.Lys322Met (NM_001270447.2); c.668A>T, p.Lys223Met (NM_001270448.2); short protein forms K223M, K277M, K322M, K299M.
Identifiers: ClinVar variation 932829 (VCV000932829.11), dbSNP rs771247610, ClinGen allele CA8337902.